The following is an entry in ClinVar:

NM_001258392.3(CLPB):c.967G>T (p.Ala323Ser)

Gene: CLPB (ClpB family mitochondrial disaggregase; minus strand). Cytogenetic location: 11q13.4.
Variant type: single nucleotide variant.
Coding change: c.967G>T on transcript NM_001258392.3 (MANE Select); coding-DNA position 967, G replaced by T.
Protein change: p.Ala323Ser; replaces alanine 323 with serine.
Molecular consequence: missense variant.
Genome position (GRCh38, 1-based): chr11:72,317,127, C>A on the plus strand (G>T on the coding strand, the complement: CLPB is on the minus strand). VCF-style: chr11-72317127-C-A. GRCh37 (hg19) VCF-style: chr11-72028171-C-A.
Other names: c.1057G>T (NM_030813.3); c.880G>T, p.Ala294Ser (NM_001258393.3); c.922G>T, p.Ala308Ser (NM_001258394.3); c.1057G>T, p.Ala353Ser (NM_030813.6); short protein forms A294S, A308S, A323S, A353S.
Identifiers: ClinVar variation 2127659 (VCV002127659.5), dbSNP rs759050719, ClinGen allele CA381738122.

ClinVar aggregate classification (germline): Uncertain significance. Review status: criteria provided, multiple submitters, no conflicts (2 of 4 stars). 2 submissions from 2 submitters: Uncertain significance (2). Last evaluated 2024-07-02.

Conditions:
3-methylglutaconic aciduria, type VIIB (MGCA7B). Also called: CLPB Deficiency; 3-methylglutaconic aciduria, type VII, with cataracts, neurologic involvement and neutropenia; 3-methylglutaconic aciduria with cataracts, neurologic involvement and neutropenia. Identifiers: Orphanet 445038, MedGen C5676893, MONDO:0014561, OMIM 616271.
Inborn genetic diseases. Identifiers: MedGen C0950123, MeSH D030342.

gnomAD v4.1: 1 of 1,611,100 alleles (0.000062%); highest among the groups gnomAD compares: South Asian, 0.0011%; no homozygotes.

Submissions (2):

Ambry Genetics
Classification: Uncertain significance for Inborn genetic diseases. Last evaluated: 2024-07-02. Review status: criteria provided, single submitter. Criteria: Ambry Variant Classification Scheme 2023. Collection method: clinical testing. Allele origin: germline.

Labcorp Genetics (formerly Invitae), Labcorp
Classification: Uncertain significance for 3-methylglutaconic aciduria, type VIIB. Last evaluated: 2022-08-19. Review status: criteria provided, single submitter. Criteria: Invitae Variant Classification Sherloc (09022015). Collection method: clinical testing. Allele origin: germline.
Comment: This sequence change replaces alanine, which is neutral and non-polar, with serine, which is neutral and polar, at codon 353 of the CLPB protein (p.Ala353Ser). This variant is not present in population databases (gnomAD no frequency). In summary, the available evidence is currently insufficient to determine the role of this variant in disease. Therefore, it has been classified as a Variant of Uncertain Significance. Algorithms developed to predict the effect of missense changes on protein structure and function are either unavailable or do not agree on the potential impact of this missense change (SIFT: "Deleterious"; PolyPhen-2: "Possibly Damaging"; Align-GVGD: "Class C0"). This variant has not been reported in the literature in individuals affected with CLPB-related conditions.